The following is an entry in ClinVar:

ClinVar aggregate classification (germline): Uncertain significance. Review status: criteria provided, multiple submitters, no conflicts (2 of 4 stars). 2 submissions from 2 submitters: Uncertain significance (2). Last evaluated 2025-04-13.

Conditions:
Inborn genetic diseases. Identifiers: MedGen C0950123, MeSH D030342.
Autosomal dominant polycystic kidney disease. Identifiers: Orphanet 730, MedGen C0085413, MONDO:0004691.

Submissions (2):

Labcorp Genetics (formerly Invitae), Labcorp
Classification: Uncertain significance for Autosomal dominant polycystic kidney disease. Last evaluated: 2025-04-13. Review status: criteria provided, single submitter. Criteria: Invitae Variant Classification Sherloc (09022015). Collection method: clinical testing. Allele origin: germline.
Comment: This sequence change replaces arginine, which is basic and polar, with leucine, which is neutral and non-polar, at codon 17 of the PKD2 protein (p.Arg17Leu). This variant is not present in population databases (gnomAD no frequency). This variant has not been reported in the literature in individuals affected with PKD2-related conditions. ClinVar contains an entry for this variant (Variation ID: 3419211). An algorithm developed to predict the effect of missense changes on protein structure and function (PolyPhen-2) suggests that this variant is likely to be tolerated. In summary, the available evidence is currently insufficient to determine the role of this variant in disease. Therefore, it has been classified as a Variant of Uncertain Significance.

Ambry Genetics
Classification: Uncertain significance for Inborn genetic diseases. Last evaluated: 2024-08-12. Review status: criteria provided, single submitter. Criteria: Ambry Variant Classification Scheme 2023. Collection method: clinical testing. Allele origin: germline.

NM_000297.4(PKD2):c.50G>T (p.Arg17Leu)

Genes: PKD2 (polycystin 2, transient receptor potential cation channel; plus strand), LOC129992813 (ATAC-STARR-seq lymphoblastoid silent region 15559; plus strand). Cytogenetic location: 4q22.1.
Variant type: single nucleotide variant.
Coding change: c.50G>T on transcript NM_000297.4 (MANE Select); coding-DNA position 50, G replaced by T.
Protein change: p.Arg17Leu; replaces arginine 17 with leucine.
Molecular consequence: missense variant. On other transcripts: non-coding transcript variant (1).
Genome position (GRCh38, 1-based): chr4:88,007,783, G>T. VCF-style: chr4-88007783-G-T. GRCh37 (hg19) VCF-style: chr4-88928935-G-T.
Other names: short protein forms R17L.
Identifiers: ClinVar variation 3419211 (VCV003419211.3).